The following is an entry in ClinVar:

NM_206965.2(FTCD):c.214C>T (p.Leu72Phe)

Gene: FTCD (formimidoyltransferase cyclodeaminase; minus strand). Cytogenetic location: 21q22.3.
Variant type: single nucleotide variant.
Coding change: c.214C>T on transcript NM_206965.2 (MANE Select); coding-DNA position 214, C replaced by T.
Protein change: p.Leu72Phe; replaces leucine 72 with phenylalanine.
Molecular consequence: missense variant.
Genome position (GRCh38, 1-based): chr21:46,154,173, G>A on the plus strand (C>T on the coding strand, the complement: FTCD is on the minus strand). VCF-style: chr21-46154173-G-A. GRCh37 (hg19) VCF-style: chr21-47574087-G-A.
Other names: c.214C>T, p.Leu72Phe (NM_001320412.2, NM_006657.3); short protein forms L72F.
Identifiers: ClinVar variation 1003070 (VCV001003070.8), dbSNP rs1378684756, ClinGen allele CA410522290.

ClinVar aggregate classification (germline): Uncertain significance (1 of 4 stars; one submission).

Conditions:
Glutamate formiminotransferase deficiency. Also called: Arakawa syndrome 1; Formiminoglutamic aciduria. Identifiers: Orphanet 51208, MedGen C0268609, MONDO:0009240, OMIM 229100.

Allele frequency attached by ClinVar (database versions not stated): gnomAD exomes below 0.00001; TOPMed below 0.00001.

Submission:

Labcorp Genetics (formerly Invitae), Labcorp
Classification: Uncertain significance for Glutamate formiminotransferase deficiency. Last evaluated: 2020-09-30. Review status: criteria provided, single submitter. Criteria: Invitae Variant Classification Sherloc (09022015). Collection method: clinical testing. Allele origin: germline.
Comment: In summary, the available evidence is currently insufficient to determine the role of this variant in disease. Therefore, it has been classified as a Variant of Uncertain Significance. Algorithms developed to predict the effect of missense changes on protein structure and function are either unavailable or do not agree on the potential impact of this missense change (SIFT: "Tolerated"; PolyPhen-2: "Possibly Damaging"; Align-GVGD: "Class C0"). This variant has not been reported in the literature in individuals with FTCD-related conditions. This variant is not present in population databases (ExAC no frequency). This sequence change replaces leucine with phenylalanine at codon 72 of the FTCD protein (p.Leu72Phe). The leucine residue is moderately conserved and there is a small physicochemical difference between leucine and phenylalanine.